The following is an entry in ClinVar:

ClinVar aggregate classification (germline): Uncertain significance. Review status: criteria provided, multiple submitters, no conflicts (2 of 4 stars). 3 submissions from 3 submitters: Uncertain significance (3). Last evaluated 2024-04-02.

Conditions:
Autosomal recessive limb-girdle muscular dystrophy type 2K. Also called: MUSCULAR DYSTROPHY-DYSTROGLYCANOPATHY (LIMB-GIRDLE), TYPE C, 1; MUSCULAR DYSTROPHY, LIMB-GIRDLE, TYPE 2K. Identifiers: Orphanet 86812, MedGen C1836373, MONDO:0012248, OMIM 609308.
Muscular dystrophy-dystroglycanopathy (congenital with impaired intellectual development), type B, 1. Also called: Muscular dystrophy-dystroglycanopathy (congenital with intellectual disability), type B1; MUSCULAR DYSTROPHY, CONGENITAL, POMT1-RELATED. Identifiers: MedGen C5436962, MONDO:0013159, OMIM 613155.
Walker-Warburg congenital muscular dystrophy. Also called: Muscular dystrophy-dystroglycanopathy, type A; Walker-Warburg syndrome. Identifiers: Orphanet 899, MedGen C0265221, MONDO:0000171.

Allele frequency attached by ClinVar (database versions not stated): gnomAD exomes 0.00001 and below 0.00001; TOPMed below 0.00001; ExAC 0.00001; gnomAD 0.00001.
gnomAD v4.1: 15 of 1,613,570 alleles (0.00093%); highest among the groups gnomAD compares: Admixed American, 0.0017%; no homozygotes.

Submissions (3):

Women's Health and Genetics/Laboratory Corporation of America, LabCorp
Classification: Uncertain significance. Last evaluated: 2024-04-02. Review status: criteria provided, single submitter. Criteria: LabCorp Variant Classification Summary - May 2015. Collection method: clinical testing. Allele origin: germline.
Comment: Variant summary: POMT1 c.1528G>A (p.Val510Met) results in a conservative amino acid change located in the MIR motif (IPR016093) of the encoded protein sequence. Four of five in-silico tools predict a damaging effect of the variant on protein function. The variant allele was found at a frequency of 4e-06 in 250492 control chromosomes. The available data on variant occurrences in the general population are insufficient to allow any conclusion about variant significance. c.1528G>A has been reported in the literature in individuals affected with Muscle-eye-brain disease (Geis_2019). This report does not provide unequivocal conclusions about association of the variant with Limb-Girdle Muscular Dystrophy, Autosomal Recessive. To our knowledge, no experimental evidence demonstrating an impact on protein function has been reported. The following publication have been ascertained in the context of this evaluation (PMID: 31311558). ClinVar contains an entry for this variant (Variation ID: 497644). Based on the evidence outlined above, the variant was classified as uncertain significance.

Labcorp Genetics (formerly Invitae), Labcorp
Classification: Uncertain significance for Muscular dystrophy-dystroglycanopathy (congenital with impaired intellectual development), type B, 1; Walker-Warburg congenital muscular dystrophy; Autosomal recessive limb-girdle muscular dystrophy type 2K. Last evaluated: 2022-10-13. Review status: criteria provided, single submitter. Criteria: Invitae Variant Classification Sherloc (09022015). Collection method: clinical testing. Allele origin: germline.
Comment: This sequence change replaces valine, which is neutral and non-polar, with methionine, which is neutral and non-polar, at codon 510 of the POMT1 protein (p.Val510Met). This variant is present in population databases (rs748365119, gnomAD 0.0009%). This missense change has been observed in individual(s) with POMT1-related conditions (PMID: 31311558). ClinVar contains an entry for this variant (Variation ID: 497644). Advanced modeling of protein sequence and biophysical properties (such as structural, functional, and spatial information, amino acid conservation, physicochemical variation, residue mobility, and thermodynamic stability) has been performed at Invitae for this missense variant, however the output from this modeling did not meet the statistical confidence thresholds required to predict the impact of this variant on POMT1 protein function. In summary, the available evidence is currently insufficient to determine the role of this variant in disease. Therefore, it has been classified as a Variant of Uncertain Significance.

Eurofins Ntd Llc (ga)
Classification: Uncertain significance. Last evaluated: 2016-10-28. Review status: criteria provided, single submitter. Criteria: EGL Classification Definitions 2015. Collection method: clinical testing. Allele origin: germline. Observed: 1 variant allele, 1 heterozygote.

Literature cited by the submitters: PubMed 31311558 (cited by Women's Health and Genetics/Laboratory Corporation of America, LabCorp and Labcorp Genetics (formerly Invitae), Labcorp).

NM_001077365.2(POMT1):c.1462G>A (p.Val488Met)

Gene: POMT1 (protein O-mannosyltransferase 1; plus strand). Cytogenetic location: 9q34.13.
Variant type: single nucleotide variant.
Coding change: c.1462G>A on transcript NM_001077365.2 (MANE Select); coding-DNA position 1462, G replaced by A.
Protein change: p.Val488Met; replaces valine 488 with methionine.
Molecular consequence: missense variant. On other transcripts: non-coding transcript variant (10), intron variant (1).
Genome position (GRCh38, 1-based): chr9:131,518,933, G>A. VCF-style: chr9-131518933-G-A. GRCh37 (hg19) VCF-style: chr9-134394320-G-A.
Other names: c.1300G>A, p.Val434Met (NM_001077366.2, NM_001353194.2); c.1462G>A, p.Val488Met (NM_001136113.2); c.1111G>A, p.Val371Met (NM_001136114.2, NM_001353195.2, NM_001374691.1 and 2 more transcripts); c.1528G>A, p.Val510Met (NM_001353193.2, NM_007171.4); c.1372G>A, p.Val458Met (NM_001353196.2); c.1366G>A, p.Val456Met (NM_001353197.2, NM_001353198.2); c.1177G>A, p.Val393Met (NM_001353199.2); c.1006G>A, p.Val336Met (NM_001353200.2); and 3 more; short protein forms V510M, V488M, V336M, V434M, V393M, V371M, V456M, V458M.
Identifiers: ClinVar variation 497644 (VCV000497644.8), dbSNP rs748365119, ClinGen allele CA5293703.
Genomic context (GRCh38, chr9:131,518,933, plus strand): 5'-CAACTGGAGATCGTCGGGGAGAAGCTGTCCCGGGGCTACCACGGGAGCACGGTGTGGAAC[G>A]TGGAGGAGCACCGATACGGCGCGAGTGAGTCCGCGGCGTGGCTTCCGCCGCTCCTGGAAT-3'
Protein context (NP_001070833.1, residues 478-498): RGYHGSTVWN[Val488Met]EEHRYGASQE